The following is an entry in ClinVar:

NM_152594.3(SPRED1):c.1190A>G (p.Asp397Gly)

Gene: SPRED1 (sprouty related EVH1 domain containing 1; plus strand). Cytogenetic location: 15q14.
Variant type: single nucleotide variant.
Coding change: c.1190A>G on transcript NM_152594.3 (MANE Select); coding-DNA position 1190, A replaced by G.
Protein change: p.Asp397Gly; replaces aspartic acid 397 with glycine.
Molecular consequence: missense variant.
Genome position (GRCh38, 1-based): chr15:38,351,519, A>G. VCF-style: chr15-38351519-A-G. GRCh37 (hg19) VCF-style: chr15-38643720-A-G.
Other names: short protein forms D397G.
Identifiers: ClinVar variation 2759487 (VCV002759487.3), dbSNP rs2542744197, ClinGen allele CA391934489.

ClinVar aggregate classification (germline): Uncertain significance (1 of 4 stars; one submission).

Conditions:
Legius syndrome. Identifiers: Orphanet 137605, MedGen C1969623, MONDO:0012669, OMIM 611431. Disease mechanism: loss of function.

Submission:

Labcorp Genetics (formerly Invitae), Labcorp
Classification: Uncertain significance for Legius syndrome. Last evaluated: 2024-01-29. Review status: criteria provided, single submitter. Criteria: Invitae Variant Classification Sherloc (09022015). Collection method: clinical testing. Allele origin: germline.
Comment: This sequence change replaces aspartic acid, which is acidic and polar, with glycine, which is neutral and non-polar, at codon 397 of the SPRED1 protein (p.Asp397Gly). This variant is not present in population databases (gnomAD no frequency). This variant has not been reported in the literature in individuals affected with SPRED1-related conditions. Advanced modeling of protein sequence and biophysical properties (such as structural, functional, and spatial information, amino acid conservation, physicochemical variation, residue mobility, and thermodynamic stability) performed at Invitae indicates that this missense variant is not expected to disrupt SPRED1 protein function with a negative predictive value of 80%. In summary, the available evidence is currently insufficient to determine the role of this variant in disease. Therefore, it has been classified as a Variant of Uncertain Significance.